The following is an entry in ClinVar:

ClinVar aggregate classification (germline): Uncertain significance (1 of 4 stars; one submission).

Conditions:
Nemaline myopathy 10 (NEM10). Identifiers: MedGen C4015360, MONDO:0014513, OMIM 616165.

Allele frequency attached by ClinVar (database versions not stated): gnomAD exomes below 0.00001 and 0.00001; ExAC 0.00001.
gnomAD v4.1: 21 of 1,611,074 alleles (0.0013%); highest among the groups gnomAD compares: Non-Finnish European, 0.0015%; no homozygotes.

Submission:

Labcorp Genetics (formerly Invitae), Labcorp
Classification: Uncertain significance for Nemaline myopathy 10. Last evaluated: 2022-06-20. Review status: criteria provided, single submitter. Criteria: Invitae Variant Classification Sherloc (09022015). Collection method: clinical testing. Allele origin: germline.
Comment: This sequence change replaces threonine, which is neutral and polar, with methionine, which is neutral and non-polar, at codon 517 of the LMOD3 protein (p.Thr517Met). This variant is present in population databases (rs778825271, gnomAD 0.0009%). This variant has not been reported in the literature in individuals affected with LMOD3-related conditions. ClinVar contains an entry for this variant (Variation ID: 666161). Algorithms developed to predict the effect of missense changes on protein structure and function (SIFT, PolyPhen-2, Align-GVGD) all suggest that this variant is likely to be disruptive. In summary, the available evidence is currently insufficient to determine the role of this variant in disease. Therefore, it has been classified as a Variant of Uncertain Significance.

NM_198271.5(LMOD3):c.1550C>T (p.Thr517Met)

Gene: LMOD3 (leiomodin 3; minus strand). Cytogenetic location: 3p14.1.
Variant type: single nucleotide variant.
Coding change: c.1550C>T on transcript NM_198271.5 (MANE Select); coding-DNA position 1550, C replaced by T.
Protein change: p.Thr517Met; replaces threonine 517 with methionine.
Molecular consequence: missense variant.
Genome position (GRCh38, 1-based): chr3:69,118,805, G>A on the plus strand (C>T on the coding strand, the complement: LMOD3 is on the minus strand). VCF-style: chr3-69118805-G-A. GRCh37 (hg19) VCF-style: chr3-69167956-G-A.
Other names: c.1550C>T, p.Thr517Met (NM_001304418.3); short protein forms T517M.
Identifiers: ClinVar variation 666161 (VCV000666161.5), dbSNP rs778825271, ClinGen allele CA2488745.